The following is an entry in ClinVar:

NM_005228.5(EGFR):c.610GAG[1] (p.Glu205del)

Gene: EGFR (epidermal growth factor receptor; plus strand). Cytogenetic location: 7p11.2.
Variant type: Microsatellite.
Coding change: c.610GAG[1] on transcript NM_005228.5 (MANE Select); one copy of the 3-base unit GAG starting at c.610; the reference has two copies in a row; one copy, 3 bases deleted.
Protein change: p.Glu205del; deletes glutamic acid 205.
Molecular consequence: inframe deletion. On other transcripts: intron variant (1).
Genome position (GRCh38, 1-based): chr7:55,151,347-55,151,349, GAG deleted; deleting any 3 consecutive bases within chr7:55,151,344-55,151,349 gives the same sequence; the position shown is the placement nearest the transcript's 3' end. VCF-style (leftmost placement, unchanged base first): chr7-55151343-AGAG-A. GRCh37 (hg19) VCF-style: chr7-55219036-AGAG-A.
Other names: c.475GAG[1], p.Glu160del (NM_001346897.2, NM_001346899.2); c.610GAG[1], p.Glu205del (NM_001346898.2, NM_201282.2, NM_201283.2 and 1 more transcripts); c.451GAG[1], p.Glu152del (NM_001346900.2); c.89-4483_89-4481del (NM_001346941.2); short protein forms E160del, E152del, E205del.
Identifiers: ClinVar variation 3023649 (VCV003023649.3), dbSNP rs1785140336, ClinGen allele CA1708910410.

ClinVar aggregate classification (germline): Uncertain significance (1 of 4 stars; one submission).

Conditions:
EGFR-related lung cancer (EGFR). Identifiers: MedGen CN130014.

Submission:

Labcorp Genetics (formerly Invitae), Labcorp
Classification: Uncertain significance for EGFR-related lung cancer. Last evaluated: 2023-01-17. Review status: criteria provided, single submitter. Criteria: Invitae Variant Classification Sherloc (09022015). Collection method: clinical testing. Allele origin: germline.
Comment: This variant, c.613_615del, results in the deletion of 1 amino acid(s) of the EGFR protein (p.Glu205del), but otherwise preserves the integrity of the reading frame. This variant is not present in population databases (gnomAD no frequency). This variant has not been reported in the literature in individuals affected with EGFR-related conditions. Experimental studies and prediction algorithms are not available or were not evaluated, and the functional significance of this variant is currently unknown. In summary, the available evidence is currently insufficient to determine the role of this variant in disease. Therefore, it has been classified as a Variant of Uncertain Significance.